The following is an entry in ClinVar:

ClinVar aggregate classification (germline): Uncertain significance (1 of 4 stars; one submission).

Conditions:
Inborn genetic diseases. Identifiers: MedGen C0950123, MeSH D030342.

Submission:

Ambry Genetics
Classification: Uncertain significance for Inborn genetic diseases. Last evaluated: 2026-03-10. Review status: criteria provided, single submitter. Criteria: Ambry Variant Classification Scheme 2023. Collection method: clinical testing. Allele origin: germline.
Comment: The p.R359S variant (also known as c.1077A>T), located in coding exon 6 of the ERCC6L2 gene, results from an A to T substitution at nucleotide position 1077. The arginine at codon 359 is replaced by serine, an amino acid with dissimilar properties. This amino acid position is conserved. In addition, the in silico prediction for this alteration is inconclusive. Based on the available evidence, the clinical significance of this variant remains unclear.

NM_020207.7(ERCC6L2):c.1077A>T (p.Arg359Ser)

Gene: ERCC6L2 (ERCC excision repair 6 like 2; plus strand). Cytogenetic location: 9q22.32.
Variant type: single nucleotide variant.
Coding change: c.1077A>T on transcript NM_020207.7 (MANE Select); coding-DNA position 1077, A replaced by T.
Protein change: p.Arg359Ser; replaces arginine 359 with serine.
Molecular consequence: missense variant. On other transcripts: non-coding transcript variant (1).
Genome position (GRCh38, 1-based): chr9:95,916,353, A>T. VCF-style: chr9-95916353-A-T. GRCh37 (hg19) VCF-style: chr9-98678635-A-T.
Other names: c.1077A>T, p.Arg359Ser (NM_001010895.4, NM_001375291.1, NM_001375292.1 and 2 more transcripts); short protein forms R359S.
Identifiers: ClinVar variation 4827689 (VCV004827689.1).